The following is an entry in ClinVar:

NC_000002.11:g.(?_165946640)_(166246354_?)dup

Genes: SCN3A (sodium voltage-gated channel alpha subunit 3; minus strand), SCN2A (sodium voltage-gated channel alpha subunit 2; plus strand), LOC129935043 (ATAC-STARR-seq lymphoblastoid silent region 12066; plus strand), LOC120977013 (Sharpr-MPRA regulatory region 13511; plus strand). Cytogenetic location: 2q24.3.
Variant type: Duplication.
Identifiers: ClinVar variation 533507 (VCV000533507.2).

ClinVar aggregate classification (germline): Uncertain significance (1 of 4 stars; one submission).

Conditions:
Developmental and epileptic encephalopathy, 11 (DEE11). Also called: Early infantile epileptic encephalopathy 11. Identifiers: Orphanet 1934, MedGen C3150987, MONDO:0013388, OMIM 613721.
Seizures, benign familial infantile, 3 (BFIS3). Also called: CONVULSIONS, BENIGN FAMILIAL INFANTILE, 3; Familial neonatal seizures. Identifiers: Orphanet 140927, Orphanet 306, MedGen C1843140, MONDO:0011904, OMIM 607745.

Submission:

Labcorp Genetics (formerly Invitae), Labcorp
Classification: Uncertain significance for Benign familial neonatal-infantile seizures; Early infantile epileptic encephalopathy 11. Last evaluated: 2019-05-10. Review status: criteria provided, single submitter. Criteria: Invitae Variant Classification Sherloc (09022015). Collection method: clinical testing. Allele origin: germline.
Comment: This variant results in a copy number gain of the genomic region encompassing the full coding sequence of the SCN2A gene. The boundaries of this event are unknown as they extend beyond the assayed region for this gene and therefore may encompass additional genes. As the precise location of this event is unknown, it may be in tandem or it may be located elsewhere in the genome. Isolated whole-gene duplications of the SCN2A gene have not been reported in the literature. However, larger copy number events that include this gene have been reported (PMID: 23016767, 26068938, 21416599, 23184456, 21692795). In summary, the available evidence is currently insufficient to determine the role of this variant in disease. Therefore, it has been classified as a Variant of Uncertain Significance.

Literature cited by the submitters: PubMed 23016767; PubMed 21416599; PubMed 23184456; PubMed 21692795; PubMed 26068938.